The following is an entry in ClinVar:

ClinVar aggregate classification (germline): Likely pathogenic (1 of 4 stars; one submission).

Allele frequency attached by ClinVar (database versions not stated): gnomAD exomes below 0.00001; TOPMed below 0.00001.
gnomAD v4.1: 4 of 1,613,234 alleles (0.00025%); highest among the groups gnomAD compares: Non-Finnish European, 0.00034%; no homozygotes.

Submission:

Labcorp Genetics (formerly Invitae), Labcorp
Classification: Likely pathogenic. Last evaluated: 2023-09-08. Review status: criteria provided, single submitter. Criteria: Invitae Variant Classification Sherloc (09022015). Collection method: clinical testing. Allele origin: germline.
Comment: In summary, the currently available evidence indicates that the variant is pathogenic, but additional data are needed to prove that conclusively. Therefore, this variant has been classified as Likely Pathogenic. Algorithms developed to predict the effect of sequence changes on RNA splicing suggest that this variant may disrupt the consensus splice site. This variant has not been reported in the literature in individuals affected with ITGB4-related conditions. This variant is not present in population databases (gnomAD no frequency). This sequence change affects a donor splice site in intron 23 of the ITGB4 gene. It is expected to disrupt RNA splicing. Variants that disrupt the donor or acceptor splice site typically lead to a loss of protein function (PMID: 16199547), and loss-of-function variants in ITGB4 are known to be pathogenic (PMID: 11328943, 16473856).

Literature cited by the submitters: PubMed 16199547; PubMed 11328943; PubMed 16473856.

NM_000213.5(ITGB4):c.2633+2T>G

Gene: ITGB4 (integrin subunit beta 4; plus strand). Cytogenetic location: 17q25.1.
Variant type: single nucleotide variant.
Coding change: c.2633+2T>G on transcript NM_000213.5 (MANE Select); the canonical splice donor site of the intron after coding-DNA position 2633, T replaced by G.
Molecular consequence: splice donor variant.
Genome position (GRCh38, 1-based): chr17:75,741,007, T>G. VCF-style: chr17-75741007-T-G. GRCh37 (hg19) VCF-style: chr17-73737088-T-G.
Other names: c.2633+2T>G (NM_001005619.2, NM_001005731.3, NM_001438834.1 and 1 more transcripts).
Identifiers: ClinVar variation 2969774 (VCV002969774.3), dbSNP rs2061097129, ClinGen allele CA401066897.